The following is an entry in ClinVar:

ClinVar aggregate classification (germline): Uncertain significance (1 of 4 stars; one submission).

Conditions:
Hereditary cancer-predisposing syndrome. Also called: Neoplastic Syndromes, Hereditary; Tumor predisposition; Hereditary neoplastic syndrome; Hereditary Cancer Syndrome. Identifiers: Orphanet 140162, MedGen C0027672, MeSH D009386, MONDO:0015356.

Submission:

Ambry Genetics
Classification: Uncertain significance for Hereditary cancer-predisposing syndrome. Last evaluated: 2026-07-07. Review status: criteria provided, single submitter. Criteria: Ambry Variant Classification Scheme 2023. Collection method: clinical testing. Allele origin: germline.
Comment: The p.F110L variant (also known as c.330C>A), located in coding exon 1 of the AXIN2 gene, results from a C to A substitution at nucleotide position 330. The phenylalanine at codon 110 is replaced by leucine, an amino acid with highly similar properties. This amino acid position is conserved. In addition, the in silico prediction for this alteration is inconclusive. Based on the available evidence, the clinical significance of this variant remains unclear.

NM_004655.4(AXIN2):c.330C>A (p.Phe110Leu)

Gene: AXIN2 (axin 2; minus strand). Cytogenetic location: 17q24.1.
Variant type: single nucleotide variant.
Coding change: c.330C>A on transcript NM_004655.4 (MANE Select); coding-DNA position 330, C replaced by A.
Protein change: p.Phe110Leu; replaces phenylalanine 110 with leucine.
Molecular consequence: missense variant.
Genome position (GRCh38, 1-based): chr17:65,558,291, G>T on the plus strand (C>A on the coding strand, the complement: AXIN2 is on the minus strand). VCF-style: chr17-65558291-G-T. GRCh37 (hg19) VCF-style: chr17-63554409-G-T.
Other names: c.330C>A, p.Phe110Leu (NM_001363813.1); short protein forms F110L.
Identifiers: ClinVar variation 5032603 (VCV005032603.1).